The following is an entry in ClinVar:

NM_057175.5(NAA15):c.2333C>G (p.Ser778Cys)

Gene: NAA15 (N-alpha-acetyltransferase 15, NatA auxiliary subunit; plus strand). Cytogenetic location: 4q31.1.
Variant type: single nucleotide variant.
Coding change: c.2333C>G on transcript NM_057175.5 (MANE Select); coding-DNA position 2333, C replaced by G.
Protein change: p.Ser778Cys; replaces serine 778 with cysteine.
Molecular consequence: missense variant.
Genome position (GRCh38, 1-based): chr4:139,386,163, C>G. VCF-style: chr4-139386163-C-G. GRCh37 (hg19) VCF-style: chr4-140307317-C-G.
Other names: c.2330C>G, p.Ser777Cys (NM_001410842.1); c.*742C>G (NM_025085.2); short protein forms S777C, S778C.
Identifiers: ClinVar variation 3171233 (VCV003171233.2), dbSNP rs747017034, ClinGen allele CA358270866.

ClinVar aggregate classification (germline): Uncertain significance. Review status: criteria provided, multiple submitters, no conflicts (2 of 4 stars). 2 submissions from 2 submitters: Uncertain significance (2). Last evaluated 2026-03-24.

Conditions:
Inborn genetic diseases. Identifiers: MedGen C0950123, MeSH D030342.

gnomAD v4.1: 3 of 1,609,016 alleles (0.00019%); highest among the groups gnomAD compares: Non-Finnish European, 0.00025%; no homozygotes.

Submissions (2):

GeneDx
Classification: Uncertain significance. Last evaluated: 2026-03-24. Review status: criteria provided, single submitter. Criteria: GeneDx Variant Classification Process June 2021. Collection method: clinical testing. Allele origin: germline.
Comment: Not observed at significant frequency in large population cohorts (gnomAD); In silico analysis supports that this missense variant has a deleterious effect on protein structure/function; Has not been previously published as pathogenic or benign to our knowledge

Ambry Genetics
Classification: Uncertain significance for Inborn genetic diseases. Last evaluated: 2024-02-05. Review status: criteria provided, single submitter. Criteria: Ambry Variant Classification Scheme 2023. Collection method: clinical testing. Allele origin: germline.